The following is an entry in ClinVar:

ClinVar aggregate classification (germline): Likely benign (0 of 4 stars; one submission).

Conditions:
PCSK5-related disorder. Also called: PCSK5-related condition.

Allele frequency attached by ClinVar (database versions not stated): gnomAD exomes 0.00006; ExAC 0.00020; 1000 Genomes Project 0.00040; 1000 Genomes Project 30x 0.00047; TOPMed 0.00067; ESP Exome Variant Server 0.00070; gnomAD 0.00071.
gnomAD v4.1: 199 of 1,612,388 alleles (0.012%); highest among the groups gnomAD compares: African/African-American, 0.24%; no homozygotes.

Submission:

PreventionGenetics, part of Exact Sciences
Classification: Likely benign for PCSK5-related condition. Last evaluated: 2023-07-30. Review status: no assertion criteria provided. Collection method: clinical testing. Allele origin: germline.
Comment: This variant is classified as likely benign based on ACMG/AMP sequence variant interpretation guidelines (Richards et al. 2015 PMID: 25741868, with internal and published modifications).

NM_001372043.1(PCSK5):c.3797C>T (p.Ser1266Phe)

Gene: PCSK5 (proprotein convertase subtilisin/kexin type 5; plus strand). Cytogenetic location: 9q21.13.
Variant type: single nucleotide variant.
Coding change: c.3797C>T on transcript NM_001372043.1 (MANE Select); coding-DNA position 3797, C replaced by T.
Protein change: p.Ser1266Phe; replaces serine 1266 with phenylalanine.
Molecular consequence: missense variant.
Genome position (GRCh38, 1-based): chr9:76,310,764, C>T. VCF-style: chr9-76310764-C-T. GRCh37 (hg19) VCF-style: chr9-78925680-C-T.
Other names: c.3716C>T, p.Ser1239Phe (NM_001190482.2); short protein forms S1239F, S1266F.
Identifiers: ClinVar variation 3048776 (VCV003048776.2), dbSNP rs375458910, ClinGen allele CA5087695.